The following is an entry in ClinVar:

ClinVar aggregate classification (germline): Uncertain significance (1 of 4 stars; one submission).

Submission:

Labcorp Genetics (formerly Invitae), Labcorp
Classification: Uncertain significance. Last evaluated: 2024-07-22. Review status: criteria provided, single submitter. Criteria: Invitae Variant Classification Sherloc (09022015). Collection method: clinical testing. Allele origin: germline.
Comment: This sequence change replaces aspartic acid, which is acidic and polar, with glutamic acid, which is acidic and polar, at codon 182 of the ZMYND11 protein (p.Asp182Glu). This variant is not present in population databases (gnomAD no frequency). This variant has not been reported in the literature in individuals affected with ZMYND11-related conditions. Advanced modeling of protein sequence and biophysical properties (such as structural, functional, and spatial information, amino acid conservation, physicochemical variation, residue mobility, and thermodynamic stability) performed at Invitae indicates that this missense variant is not expected to disrupt ZMYND11 protein function with a negative predictive value of 80%. In summary, the available evidence is currently insufficient to determine the role of this variant in disease. Therefore, it has been classified as a Variant of Uncertain Significance.

NM_001370100.5(ZMYND11):c.546C>G (p.Asp182Glu)

Gene: ZMYND11 (zinc finger MYND-type containing 11; plus strand). Cytogenetic location: 10p15.3.
Variant type: single nucleotide variant.
Coding change: c.546C>G on transcript NM_001370100.5 (MANE Select); coding-DNA position 546, C replaced by G.
Protein change: p.Asp182Glu; replaces aspartic acid 182 with glutamic acid.
Molecular consequence: missense variant. On other transcripts: non-coding transcript variant (1), intron variant (4).
Genome position (GRCh38, 1-based): chr10:237,614, C>G. VCF-style: chr10-237614-C-G. GRCh37 (hg19) VCF-style: chr10-283554-C-G.
Other names: c.384C>G, p.Asp128Glu (NM_001370104.2, NM_001370105.2, NM_001370106.2 and 9 more transcripts); c.495C>G, p.Asp165Glu (NM_001370112.2, NM_001330057.3); c.546C>G, p.Asp182Glu (NM_001370115.2, NM_001370117.2, NM_001370119.2 and 9 more transcripts); c.480C>G, p.Asp160Glu (NM_001370116.2); c.426C>G, p.Asp142Glu (NM_001370118.2); c.318C>G, p.Asp106Glu (NM_001370120.2); c.264C>G, p.Asp88Glu (NM_001370121.2); c.333C>G, p.Asp111Glu (NM_001370123.2); and 3 more; short protein forms D160E, D111E, D165E, D182E, D25E, D88E, D106E, D128E.
Identifiers: ClinVar variation 2877599 (VCV002877599.3), dbSNP rs2539798052, ClinGen allele CA375844955.